The following is an entry in ClinVar:

ClinVar aggregate classification (germline): Uncertain significance. Review status: criteria provided, multiple submitters, no conflicts (2 of 4 stars). 2 submissions from 2 submitters: Uncertain significance (2). Last evaluated 2021-02-17.

Conditions:
Lymphangiomyomatosis (LAM). Also called: Lymphangioleiomyomatosis, somatic; Lymphangioleiomyomatosis. Identifiers: Orphanet 538, MedGen C0751674, MONDO:0011705, OMIM 606690.
Isolated focal cortical dysplasia type II (FCORD2). Also called: Focal cortical dysplasia type II; CORTICAL DYSPLASIA OF TAYLOR. Identifiers: Orphanet 268994, MedGen C1846385, MONDO:0011818, OMIM 607341, HP:0032051.
Tuberous sclerosis 2 (TSC2). Identifiers: Orphanet 805, MedGen C1860707, MONDO:0013199, OMIM 613254.
Hereditary cancer-predisposing syndrome. Also called: Tumor predisposition; Hereditary Cancer Syndrome; Neoplastic Syndromes, Hereditary; Hereditary neoplastic syndrome. Identifiers: Orphanet 140162, MedGen C0027672, MeSH D009386, MONDO:0015356.

Submissions (2):

Ambry Genetics
Classification: Uncertain significance for Hereditary cancer-predisposing syndrome. Last evaluated: 2021-02-17. Review status: criteria provided, single submitter. Criteria: Ambry Variant Classification Scheme 2023. Collection method: clinical testing. Allele origin: germline.
Comment: The p.P1158Q variant (also known as c.3473C>A), located in coding exon 29 of the TSC2 gene, results from a C to A substitution at nucleotide position 3473. The proline at codon 1158 is replaced by glutamine, an amino acid with similar properties. This amino acid position is not well conserved in available vertebrate species. In addition, this alteration is predicted to be tolerated by in silico analysis. Since supporting evidence is limited at this time, the clinical significance of this alteration remains unclear.

Juno Genomics, Hangzhou Juno Genomics, Inc
Classification: Uncertain significance for Tuberous sclerosis 2; Isolated focal cortical dysplasia type II; Lymphangiomyomatosis. Review status: criteria provided, single submitter. Criteria: ACMG Guidelines, 2015. Collection method: clinical testing. Allele origin: germline.
Comment: Absent from controls (or at extremely low frequency if recessive) in Genome Aggregation Database.

NM_000548.5(TSC2):c.3473C>A (p.Pro1158Gln)

Gene: TSC2 (TSC complex subunit 2; plus strand). Cytogenetic location: 16p13.3.
Variant type: single nucleotide variant.
Coding change: c.3473C>A on transcript NM_000548.5 (MANE Select); coding-DNA position 3473, C replaced by A.
Protein change: p.Pro1158Gln; replaces proline 1158 with glutamine.
Molecular consequence: missense variant.
Genome position (GRCh38, 1-based): chr16:2,080,240, C>A. VCF-style: chr16-2080240-C-A. GRCh37 (hg19) VCF-style: chr16-2130241-C-A.
Other names: c.3341C>A, p.Pro1114Gln (NM_001077183.3, NM_001370404.1, NM_001406665.1); c.3473C>A, p.Pro1158Gln (NM_001114382.3); c.3233C>A, p.Pro1078Gln (NM_001318827.2); c.3197C>A, p.Pro1066Gln (NM_001318829.2); c.2741C>A, p.Pro914Gln (NM_001318831.2, NM_001406687.1, NM_001406688.1); c.3374C>A, p.Pro1125Gln (NM_001318832.2); c.3344C>A, p.Pro1115Gln (NM_001363528.2, NM_001370405.1, NM_021055.3); c.3470C>A, p.Pro1157Gln (NM_001406663.1, NM_001406664.1); and 18 more; short protein forms P1110Q, P1115Q, P710Q, P914Q, P961Q, P1078Q, P1108Q, P1109Q.
Identifiers: ClinVar variation 1731757 (VCV001731757.4), dbSNP rs992338076, ClinGen allele CA394288947.